The following is an entry in ClinVar:

ClinVar aggregate classification (germline): Uncertain significance. Review status: criteria provided, multiple submitters, no conflicts (2 of 4 stars). 2 submissions from 2 submitters: Uncertain significance (2). Last evaluated 2025-05-27.

Conditions:
Malignant hyperthermia, susceptibility to, 1 (MHS1). Also called: Anesthesia related hyperthermia; Malignant hyperpyrexia; Fulminating hyperpyrexia; Pharmacogenic myopathy; RYR1-Related Malignant Hyperthermia Susceptibility; Malignant hyperthermia suceptibility 1. Identifiers: Orphanet 423, MedGen C2930980, MONDO:0007783, OMIM 145600.

gnomAD v4.1: 2 of 1,614,126 alleles (0.00012%); highest among the groups gnomAD compares: South Asian, 0.0011%; no homozygotes.

Submissions (2):

Color Diagnostics, LLC DBA Color Health
Classification: Uncertain significance for Malignant hyperthermia, susceptibility to, 1. Last evaluated: 2025-05-27. Review status: criteria provided, single submitter. Criteria: ACMG Guidelines, 2015. Collection method: clinical testing. Allele origin: germline.
Comment: This missense variant replaces valine with phenylalanine at codon 1438 of the RYR1 protein. Computational prediction is inconclusive regarding the impact of this variant on protein structure and function. To our knowledge, functional studies have not been reported for this variant. This variant has not been reported in individuals affected with RYR1-related disorders in the literature. This variant has not been identified in the general population by the Genome Aggregation Database (gnomAD). The available evidence is insufficient to determine the role of this variant in disease conclusively. Therefore, this variant is classified as a Variant of Uncertain Significance.

All of Us Research Program, National Institutes of Health
Classification: Uncertain significance for Malignant hyperthermia, susceptibility to, 1. Last evaluated: 2023-05-16. Review status: criteria provided, single submitter. Criteria: ACMG Guidelines, 2015. Collection method: clinical testing. Allele origin: germline. Inheritance: Autosomal dominant inheritance. Observed: 1 variant allele, 1 heterozygote.
Comment: This missense variant replaces valine with phenylalanine at codon 1438 of the RYR1 protein. Computational prediction is inconclusive regarding the impact of this variant on protein structure and function (internally defined REVEL score threshold 0.5 < inconclusive < 0.7, PMID: 27666373). To our knowledge, functional studies have not been reported for this variant. This variant has not been reported in individuals affected with RYR1-related disorders in the literature. This variant has not been identified in the general population by the Genome Aggregation Database (gnomAD). The available evidence is insufficient to determine the role of this variant in disease conclusively. Therefore, this variant is classified as a Variant of Uncertain Significance.

This study involves interpretation of variants in research participants for the purpose of population health screening. Participant phenotype was not available at the time of variant classification. Additional details can be found in publication PMID: 35346344, PMCID: PMC8962531

NM_000540.3(RYR1):c.4312G>T (p.Val1438Phe)

Gene: RYR1 (ryanodine receptor 1; plus strand). Cytogenetic location: 19q13.2.
Variant type: single nucleotide variant.
Coding change: c.4312G>T on transcript NM_000540.3 (MANE Select); coding-DNA position 4312, G replaced by T.
Protein change: p.Val1438Phe; replaces valine 1438 with phenylalanine.
Molecular consequence: missense variant.
Genome position (GRCh38, 1-based): chr19:38,477,728, G>T. VCF-style: chr19-38477728-G-T. GRCh37 (hg19) VCF-style: chr19-38968368-G-T.
Other names: c.4312G>T, p.Val1438Phe (NM_001042723.2); short protein forms V1438F.
Identifiers: ClinVar variation 3071230 (VCV003071230.2), dbSNP rs777848947, ClinGen allele CA405645693.